The following is an entry in ClinVar:

NM_021067.5(GINS1):c.218G>A (p.Arg73Gln)

Gene: GINS1 (GINS complex subunit 1; plus strand). Cytogenetic location: 20p11.21.
Variant type: single nucleotide variant.
Coding change: c.218G>A on transcript NM_021067.5 (MANE Select); coding-DNA position 218, G replaced by A.
Protein change: p.Arg73Gln; replaces arginine 73 with glutamine.
Molecular consequence: missense variant. On other transcripts: non-coding transcript variant (1).
Genome position (GRCh38, 1-based): chr20:25,417,181, G>A. VCF-style: chr20-25417181-G-A. GRCh37 (hg19) VCF-style: chr20-25397817-G-A.
Other names: c.218G>A (NM_021067.3); c.218G>A, p.Arg73Gln (NM_001410830.1); short protein forms R73Q.
Identifiers: ClinVar variation 2414261 (VCV002414261.9), dbSNP rs201272727, ClinGen allele CA9796458.

ClinVar aggregate classification (germline): Uncertain significance. Review status: criteria provided, multiple submitters, no conflicts (2 of 4 stars). 2 submissions from 2 submitters: Uncertain significance (2). Last evaluated 2025-08-12.

Allele frequency attached by ClinVar (database versions not stated): gnomAD 0.00002; gnomAD exomes 0.00004; TOPMed 0.00005; ExAC 0.00009; 1000 Genomes Project 30x 0.00016; 1000 Genomes Project 0.00020.

Submissions (2):

Labcorp Genetics (formerly Invitae), Labcorp
Classification: Uncertain significance. Last evaluated: 2025-08-12. Review status: criteria provided, single submitter. Criteria: Invitae Variant Classification Sherloc (09022015). Collection method: clinical testing. Allele origin: germline.
Comment: This sequence change replaces arginine, which is basic and polar, with glutamine, which is neutral and polar, at codon 73 of the GINS1 protein (p.Arg73Gln). This variant is present in population databases (rs201272727, gnomAD 0.1%), and has an allele count higher than expected for a pathogenic variant. This variant has not been reported in the literature in individuals affected with GINS1-related conditions. ClinVar contains an entry for this variant (Variation ID: 2414261). An algorithm developed to predict the effect of missense changes on protein structure and function outputs the following: PolyPhen-2: "Benign". The glutamine amino acid residue is found in multiple mammalian species, which suggests that this missense change does not adversely affect protein function. In summary, the available evidence is currently insufficient to determine the role of this variant in disease. Therefore, it has been classified as a Variant of Uncertain Significance.

Ambry Genetics
Classification: Uncertain significance. Last evaluated: 2023-05-30. Review status: criteria provided, single submitter. Criteria: Ambry Variant Classification Scheme 2023. Collection method: clinical testing. Allele origin: germline.